The following is an entry in ClinVar:

NM_006031.6(PCNT):c.2603G>A (p.Arg868Gln)

Gene: PCNT (pericentrin; plus strand). Cytogenetic location: 21q22.3.
Variant type: single nucleotide variant.
Coding change: c.2603G>A on transcript NM_006031.6 (MANE Select); coding-DNA position 2603, G replaced by A.
Protein change: p.Arg868Gln; replaces arginine 868 with glutamine.
Molecular consequence: missense variant.
Genome position (GRCh38, 1-based): chr21:46,363,928, G>A. VCF-style: chr21-46363928-G-A. GRCh37 (hg19) VCF-style: chr21-47783843-G-A.
Other names: c.2249G>A, p.Arg750Gln (NM_001315529.2); c.2603G>A (NM_006031.5); short protein forms R750Q, R868Q.
Identifiers: ClinVar variation 2191563 (VCV002191563.4), dbSNP rs374344594, ClinGen allele CA10079026.

ClinVar aggregate classification (germline): Conflicting classifications of pathogenicity. Review status: criteria provided, conflicting classifications (1 of 4 stars). 3 submissions from 3 submitters: Uncertain significance (1); Likely benign (1). 1 of the submissions does not count toward it. Last evaluated 2026-01-03.

Conditions:
PCNT-related disorder. Also called: PCNT-related condition.
Inborn genetic diseases. Identifiers: MedGen C0950123, MeSH D030342.

Allele frequency attached by ClinVar (database versions not stated): gnomAD exomes 0.00001; ExAC 0.00002; TOPMed 0.00002; gnomAD 0.00003; ESP Exome Variant Server 0.00008.

Submissions (3):

Labcorp Genetics (formerly Invitae), Labcorp
Classification: Uncertain significance. Last evaluated: 2026-01-03. Review status: criteria provided, single submitter. Criteria: Invitae Variant Classification Sherloc (09022015). Collection method: clinical testing. Allele origin: germline.
Comment: This sequence change replaces arginine, which is basic and polar, with glutamine, which is neutral and polar, at codon 868 of the PCNT protein (p.Arg868Gln). This variant is present in population databases (rs374344594, gnomAD 0.03%). This variant has not been reported in the literature in individuals affected with PCNT-related conditions. ClinVar contains an entry for this variant (Variation ID: 2191563). An algorithm developed to predict the effect of missense changes on protein structure and function outputs the following: PolyPhen-2: "Possibly Damaging". The glutamine amino acid residue is found in multiple mammalian species, which suggests that this missense change does not adversely affect protein function. In summary, the available evidence is currently insufficient to determine the role of this variant in disease. Therefore, it has been classified as a Variant of Uncertain Significance.

Ambry Genetics
Classification: Likely benign for Inborn genetic diseases. Last evaluated: 2024-04-29. Review status: criteria provided, single submitter. Criteria: Ambry Variant Classification Scheme 2023. Collection method: clinical testing. Allele origin: germline.

PreventionGenetics, part of Exact Sciences
Classification: Uncertain significance for PCNT-related condition. Last evaluated: 2024-05-06. Review status: no assertion criteria provided. Collection method: clinical testing. Allele origin: germline. Not counted in ClinVar's aggregate classification.
Comment: The PCNT c.2603G>A variant is predicted to result in the amino acid substitution p.Arg868Gln. To our knowledge, this variant has not been reported in the literature. This variant is reported in 0.026% of alleles in individuals of African descent in gnomAD. At this time, the clinical significance of this variant is uncertain due to the absence of conclusive functional and genetic evidence.